The following is an entry in ClinVar:

ClinVar aggregate classification (germline): Uncertain significance (1 of 4 stars; one submission).

Submission:

Labcorp Genetics (formerly Invitae), Labcorp
Classification: Uncertain significance. Last evaluated: 2023-10-19. Review status: criteria provided, single submitter. Criteria: Invitae Variant Classification Sherloc (09022015). Collection method: clinical testing. Allele origin: germline.
Comment: This sequence change replaces arginine, which is basic and polar, with glycine, which is neutral and non-polar, at codon 144 of the PTHLH protein (p.Arg144Gly). This variant is not present in population databases (gnomAD no frequency). This variant has not been reported in the literature in individuals affected with PTHLH-related conditions. An algorithm developed to predict the effect of missense changes on protein structure and function (PolyPhen-2) suggests that this variant is likely to be disruptive. In summary, the available evidence is currently insufficient to determine the role of this variant in disease. Therefore, it has been classified as a Variant of Uncertain Significance.

NM_198965.2(PTHLH):c.430C>G (p.Arg144Gly)

Gene: PTHLH (parathyroid hormone like hormone; minus strand). Cytogenetic location: 12p11.22.
Variant type: single nucleotide variant.
Coding change: c.430C>G on transcript NM_198965.2 (MANE Select); coding-DNA position 430, C replaced by G.
Protein change: p.Arg144Gly; replaces arginine 144 with glycine.
Molecular consequence: missense variant.
Genome position (GRCh38, 1-based): chr12:27,963,442, G>C on the plus strand (C>G on the coding strand, the complement: PTHLH is on the minus strand). VCF-style: chr12-27963442-G-C. GRCh37 (hg19) VCF-style: chr12-28116375-G-C.
Other names: c.430C>G, p.Arg144Gly (NM_002820.3, NM_198964.2, NM_198966.2); short protein forms R144G.
Identifiers: ClinVar variation 2770159 (VCV002770159.3), dbSNP rs2062779504, ClinGen allele CA384338816.
Genomic context (GRCh38, chr12:27,963,442, plus strand): 5'-CAGACAGGTGGTCCCCTTCTAGCCCACTCCCAGTCACTCCAGAGTCTAACCAGGCAGAGC[G>C]AGTTCGCCGTTTTTTCTTTTCCTGCTCCTTGCGTTTCCCGGGCTTGCCTTTCTTTTTCTT-3'
Protein context (NP_945316.1, residues 134-154): KEQEKKKRRT[Arg144Gly]SAWLDSGVTG